The following is an entry in ClinVar:

ClinVar aggregate classification (germline): Likely benign (1 of 4 stars; one submission).

Submission:

CeGaT Center for Human Genetics Tuebingen
Classification: Likely benign. Last evaluated: 2026-07-01. Review status: criteria provided, single submitter. Criteria: CeGaT Center For Human Genetics Tuebingen Variant Classification Criteria Version 2. Collection method: clinical testing. Allele origin: germline. Affected: yes. Observed: 1 variant allele.
Comment: EIF2AK2: PM2:Supporting, BP4, BP7

NM_001135651.3(EIF2AK2):c.822C>A (p.Gly274=)

Gene: EIF2AK2 (eukaryotic translation initiation factor 2 alpha kinase 2; minus strand). Cytogenetic location: 2p22.2.
Variant type: single nucleotide variant.
Coding change: c.822C>A on transcript NM_001135651.3 (MANE Select); coding-DNA position 822, C replaced by A.
Protein change: p.Gly274=; no amino-acid change (glycine 274 retained).
Molecular consequence: synonymous variant. On other transcripts: intron variant (1).
Genome position (GRCh38, 1-based): chr2:37,126,375, G>T on the plus strand (C>A on the coding strand, the complement: EIF2AK2 is on the minus strand). VCF-style: chr2-37126375-G-T. GRCh37 (hg19) VCF-style: chr2-37353518-G-T.
Other names: c.822C>A, p.Gly274= (NM_002759.4); c.786-3711C>A (NM_001135652.2).
Identifiers: ClinVar variation 4872085 (VCV004872085.2).